The following is an entry in ClinVar:

NM_001148.6(ANK2):c.7525C>T (p.Leu2509=)

Genes: ANK2 (ankyrin 2; plus strand), LOC126807137 (CDK7 strongly-dependent group 2 enhancer GRCh37_chr4:114276560-114277759; plus strand). Cytogenetic location: 4q26.
Variant type: single nucleotide variant.
Coding change: c.7525C>T on transcript NM_001148.6 (MANE Select); coding-DNA position 7525, C replaced by T.
Protein change: p.Leu2509=; no amino-acid change (leucine 2509 retained).
Molecular consequence: synonymous variant. On other transcripts: intron variant (68).
Genome position (GRCh38, 1-based): chr4:113,356,143, C>T. VCF-style: chr4-113356143-C-T. GRCh37 (hg19) VCF-style: chr4-114277299-C-T.
Other names: c.7291C>T, p.Leu2431= (NM_001386142.1); c.3925C>T, p.Leu1309= (NM_001386166.1); c.7666C>T, p.Leu2556= (NM_001386174.1); c.7642C>T, p.Leu2548= (NM_001386175.1); c.4412-4680C>T (NM_001386186.2, NM_001386148.2); c.4214-4680C>T (NM_001354269.3); c.4292-4680C>T (NM_001386187.2); c.4253-4680C>T (NM_001386147.1); and 35 more.
Identifiers: ClinVar variation 347330 (VCV000347330.24), dbSNP rs199591964, ClinGen allele CA3051607.

ClinVar aggregate classification (germline): Conflicting classifications of pathogenicity. Review status: criteria provided, conflicting classifications (1 of 4 stars). 8 submissions from 8 submitters: Uncertain significance (1); Benign (1); Likely benign (5). 1 of the submissions does not count toward it. Last evaluated 2026-07-01.

Conditions:
Cardiac arrhythmia, ankyrin-B-related. Also called: ANKYRIN-B SYNDROME. Identifiers: Orphanet 101016, Orphanet 768, MedGen C1970119, MONDO:0010958, OMIM 600919.
Cardiovascular phenotype. Identifiers: MedGen CN230736.
ANK2-related disorder. Also called: ANK2-related condition.
Long QT syndrome (LQTS). Identifiers: MedGen C0023976, MeSH D008133, MONDO:0002442. Disease mechanism: loss of function. Inheritance: Various modes of inheritance.

Allele frequency attached by ClinVar (database versions not stated): gnomAD 0.00014; gnomAD exomes 0.00014 and 0.00017; ExAC 0.00015; TOPMed 0.00021.
gnomAD v4.1: 267 of 1,613,960 alleles (0.017%); highest among the groups gnomAD compares: Middle Eastern, 0.13%; 1 homozygote.

Submissions (8):

CeGaT Center for Human Genetics Tuebingen
Classification: Likely benign. Last evaluated: 2026-07-01. Review status: criteria provided, single submitter. Criteria: CeGaT Center For Human Genetics Tuebingen Variant Classification Criteria Version 2. Collection method: clinical testing. Allele origin: germline. Affected: yes. Observed: 1 variant allele.
Comment: ANK2: BP4

Women's Health and Genetics/Laboratory Corporation of America, LabCorp
Classification: Benign. Last evaluated: 2026-03-23. Review status: criteria provided, single submitter. Criteria: LabCorp Variant Classification Summary - May 2015. Collection method: clinical testing. Allele origin: germline.

Labcorp Genetics (formerly Invitae), Labcorp
Classification: Likely benign for Long QT syndrome. Last evaluated: 2025-12-31. Review status: criteria provided, single submitter. Criteria: Invitae Variant Classification Sherloc (09022015). Collection method: clinical testing. Allele origin: germline.

Blueprint Genetics
Classification: Likely benign. Last evaluated: 2024-11-11. Review status: criteria provided, single submitter. Criteria: ACMG Guidelines, 2015. Collection method: clinical testing. Allele origin: germline.

GeneDx
Classification: Likely benign. Last evaluated: 2020-10-28. Review status: criteria provided, single submitter. Criteria: GeneDx Variant Classification Process June 2021. Collection method: clinical testing. Allele origin: germline. Affected: yes.

Illumina Laboratory Services, Illumina
Classification: Uncertain significance for Cardiac arrhythmia, ankyrin-B-related. Last evaluated: 2018-01-13. Review status: criteria provided, single submitter. Criteria: ICSL Variant Classification Criteria 13 December 2019. Collection method: clinical testing. Allele origin: germline.

Ambry Genetics
Classification: Likely benign for Cardiovascular phenotype. Last evaluated: 2017-12-15. Review status: criteria provided, single submitter. Criteria: Ambry Variant Classification Scheme 2023. Collection method: clinical testing. Allele origin: germline.

PreventionGenetics, part of Exact Sciences
Classification: Likely benign for ANK2-related condition. Last evaluated: 2021-04-07. Review status: no assertion criteria provided. Collection method: clinical testing. Allele origin: germline. Not counted in ClinVar's aggregate classification.
Comment: This variant is classified as likely benign based on ACMG/AMP sequence variant interpretation guidelines (Richards et al. 2015 PMID: 25741868, with internal and published modifications).